The following is an entry in ClinVar:

NM_000372.5(TYR):c.107G>A (p.Cys36Tyr)

Gene: TYR (tyrosinase; plus strand). Cytogenetic location: 11q14.3.
Variant type: single nucleotide variant.
Coding change: c.107G>A on transcript NM_000372.5 (MANE Select); coding-DNA position 107, G replaced by A.
Protein change: p.Cys36Tyr; replaces cysteine 36 with tyrosine.
Molecular consequence: missense variant.
Genome position (GRCh38, 1-based): chr11:89,178,060, G>A. VCF-style: chr11-89178060-G-A. GRCh37 (hg19) VCF-style: chr11-88911228-G-A.
Other names: short protein forms C36Y.
Identifiers: ClinVar variation 99530 (VCV000099530.7), dbSNP rs61753179, ClinGen allele CA227493.

ClinVar aggregate classification (germline): Pathogenic/Likely pathogenic. Review status: criteria provided, multiple submitters, no conflicts (2 of 4 stars). 5 submissions from 5 submitters: Pathogenic (1); Likely pathogenic (3). 1 of the submissions does not count toward it. Last evaluated 2026-03-11.

Conditions:
Oculocutaneous albinism type 1. Also called: Albinism 1; ALBINISM I. Identifiers: Orphanet 352731, MedGen C0268494, MONDO:0018135. Disease mechanism: loss of function.
Oculocutaneous albinism type 1B (OCA1B). Also called: YELLOW ALBINISM; ALBINISM, OCULOCUTANEOUS, TYPE IB; ALBINISM, YELLOW MUTANT TYPE. Identifiers: Orphanet 352731, Orphanet 352737, Orphanet 79434, MedGen C1847024, MONDO:0011749, OMIM 606952.

Allele frequency attached by ClinVar (database versions not stated): gnomAD exomes below 0.00001.
gnomAD v4.1: 3 of 1,614,218 alleles (0.00019%); highest among the groups gnomAD compares: Middle Eastern, 0.017%; no homozygotes.

Submissions (5):

Myriad Genetics, Inc.
Classification: Likely pathogenic for Oculocutaneous albinism type 1. Last evaluated: 2026-03-11. Review status: criteria provided, single submitter. Criteria: Myriad Autosomal Dominant, Autosomal Recessive and X-Linked Classification Criteria (2023). Collection method: clinical testing. Allele origin: unknown.
Comment: NM_000372.4(TYR):c.107G>A(C36Y) is a missense variant classified as likely pathogenic in the context of oculocutaneous albinism, TYR-related. C36Y has been observed in cases with relevant disease (PMID: 10987646, 27734839, 29345414, 30472657, 34838614, Green_2023_(Article)). Relevant functional assessments of this variant are not available in the literature. C36Y has been observed in referenced population frequency databases. In summary, NM_000372.4(TYR):c.107G>A(C36Y) is a missense variant that has been observed more frequently in cases with the relevant disease than in healthy populations. Please note: this variant was assessed in the context of healthy population screening.

GeneDx
Classification: Likely pathogenic. Last evaluated: 2025-06-06. Review status: criteria provided, single submitter. Criteria: GeneDx Variant Classification Process June 2021. Collection method: clinical testing. Allele origin: germline. Affected: yes.
Comment: Not observed at significant frequency in large population cohorts (gnomAD); In silico analysis supports that this missense variant has a deleterious effect on protein structure/function; This variant is associated with the following publications: (PMID: 29345414, 27734839, 34838614, 30472657, 10987646)

Labcorp Genetics (formerly Invitae), Labcorp
Classification: Pathogenic. Last evaluated: 2025-04-14. Review status: criteria provided, single submitter. Criteria: Invitae Variant Classification Sherloc (09022015). Collection method: clinical testing. Allele origin: germline.
Comment: This sequence change replaces cysteine, which is neutral and slightly polar, with tyrosine, which is neutral and polar, at codon 36 of the TYR protein (p.Cys36Tyr). This variant is present in population databases (rs61753179, gnomAD 0.0009%). This missense change has been observed in individual(s) with clinical features of oculocutaneous albinism (PMID: 10987646, 27734839, 29345414, 30472657, 34838614). ClinVar contains an entry for this variant (Variation ID: 99530). Invitae Evidence Modeling of protein sequence and biophysical properties (such as structural, functional, and spatial information, amino acid conservation, physicochemical variation, residue mobility, and thermodynamic stability) indicates that this missense variant is expected to disrupt TYR protein function with a positive predictive value of 95%. This variant disrupts the p.Cys36 amino acid residue in TYR. Other variant(s) that disrupt this residue have been determined to be pathogenic (PMID: 32552135, 34838614). This suggests that this residue is clinically significant, and that variants that disrupt this residue are likely to be disease-causing. For these reasons, this variant has been classified as Pathogenic.

3billion
Classification: Likely pathogenic for Oculocutaneous albinism type 1B. Last evaluated: 2024-09-24. Review status: criteria provided, single submitter. Criteria: ACMG Guidelines, 2015. Collection method: clinical testing. Allele origin: germline. Affected: yes.
Comment: The variant is observed at an extremely low frequency in the gnomAD v4.0.0 dataset (total allele frequency: <0.001%). Predicted Consequence/Location: Missense variant In silico tool predictions suggest damaging effect of the variant on gene or gene product [REVEL: 0.94 (>=0.6, sensitivity 0.68 and specificity 0.92); 3Cnet: 0.99 (>=0.6, sensitivity 0.72 and precision 0.9)]. The same nucleotide change resulting in the same amino acid change has been previously reported as pathogenic/likely pathogenic with strong evidence (ClinVar ID: VCV000099530 /PMID: 10987646). A different missense change at the same codon (p.Cys36Ser) has been reported to be associated with TYR related disorder (PMID: 32552135). Therefore, this variant is classified as Likely pathogenic according to the recommendation of ACMG/AMP guideline.

Retina International
No classification provided. Review status: no classification provided. Collection method: not provided. Allele origin: not provided. Not counted in ClinVar's aggregate classification.

Literature cited by the submitters: PubMed 10987646 (cited by Labcorp Genetics (formerly Invitae), Labcorp and 3billion); PubMed 27734839 (cited by Labcorp Genetics (formerly Invitae), Labcorp); PubMed 29345414 (cited by Labcorp Genetics (formerly Invitae), Labcorp); PubMed 30472657 (cited by Labcorp Genetics (formerly Invitae), Labcorp); PubMed 34838614 (cited by Labcorp Genetics (formerly Invitae), Labcorp); PubMed 32552135 (cited by Labcorp Genetics (formerly Invitae), Labcorp and 3billion).